The following is an entry in ClinVar:

NM_002693.3(POLG):c.1648C>G (p.Gln550Glu)

Gene: POLG (DNA polymerase gamma, catalytic subunit; minus strand). Cytogenetic location: 15q26.1.
Variant type: single nucleotide variant.
Coding change: c.1648C>G on transcript NM_002693.3 (MANE Select); coding-DNA position 1648, C replaced by G.
Protein change: p.Gln550Glu; replaces glutamine 550 with glutamic acid.
Molecular consequence: missense variant.
Genome position (GRCh38, 1-based): chr15:89,326,676, G>C on the plus strand (C>G on the coding strand, the complement: POLG is on the minus strand). VCF-style: chr15-89326676-G-C. GRCh37 (hg19) VCF-style: chr15-89869907-G-C.
Other names: c.1648C>G, p.Gln550Glu (NM_001126131.2); short protein forms Q550E.
Identifiers: ClinVar variation 499665 (VCV000499665.12), dbSNP rs1227630175, ClinGen allele CA10602199.

ClinVar aggregate classification (germline): Conflicting classifications of pathogenicity. Review status: criteria provided, conflicting classifications (1 of 4 stars). 4 submissions from 4 submitters: Uncertain significance (3); Likely benign (1). Last evaluated 2024-12-14.

Conditions:
Inborn genetic diseases. Identifiers: MedGen C0950123, MeSH D030342.
Progressive sclerosing poliodystrophy (MTDPS4A). Also called: Alpers-Huttenlocher Syndrome (AHS); ALPERS PROGRESSIVE INFANTILE POLIODYSTROPHY; Mitochondrial DNA Depletion Syndrome 4A; Mitochondrial DNA depletion syndrome 4A (Alpers type); NEURONAL DEGENERATION OF CHILDHOOD WITH LIVER DISEASE, PROGRESSIVE; Alpers Syndrome. Identifiers: Orphanet 726, MedGen C0205710, MONDO:0008758, OMIM 203700.

Allele frequency attached by ClinVar (database versions not stated): gnomAD exomes below 0.00001; gnomAD 0.00001; TOPMed 0.00002.
gnomAD v4.1: 5 of 1,614,002 alleles (0.00031%); highest among the groups gnomAD compares: African/African-American, 0.0053%; no homozygotes.

Submissions (4):

Ambry Genetics
Classification: Likely benign for Inborn genetic diseases. Last evaluated: 2024-12-14. Review status: criteria provided, single submitter. Criteria: Ambry Variant Classification Scheme 2023. Collection method: clinical testing. Allele origin: germline.

Labcorp Genetics (formerly Invitae), Labcorp
Classification: Uncertain significance for Progressive sclerosing poliodystrophy. Last evaluated: 2022-03-23. Review status: criteria provided, single submitter. Criteria: Invitae Variant Classification Sherloc (09022015). Collection method: clinical testing. Allele origin: germline.
Comment: This sequence change replaces glutamine, which is neutral and polar, with glutamic acid, which is acidic and polar, at codon 550 of the POLG protein (p.Gln550Glu). This variant is present in population databases (no rsID available, gnomAD 0.008%). This variant has not been reported in the literature in individuals affected with POLG-related conditions. ClinVar contains an entry for this variant (Variation ID: 499665). Algorithms developed to predict the effect of missense changes on protein structure and function output the following: SIFT: "Tolerated"; PolyPhen-2: "Benign"; Align-GVGD: "Class C0". The glutamic acid amino acid residue is found in multiple mammalian species, which suggests that this missense change does not adversely affect protein function. In summary, the available evidence is currently insufficient to determine the role of this variant in disease. Therefore, it has been classified as a Variant of Uncertain Significance.

Wong Mito Lab, Molecular and Human Genetics, Baylor College of Medicine
Classification: Uncertain significance for Progressive sclerosing poliodystrophy. Last evaluated: 2018-10-01. Review status: criteria provided, single submitter. Criteria: ACMG Guidelines, 2015. Collection method: clinical testing. Allele origin: germline.
Comment: The NM_002693.2:c.1648C>G (NP_002684.1:p.Gln550Glu) [GRCH38: NC_000015.10:g.89326676G>C] variant in POLG gene is interpretated to be a Uncertain Significance based on ACMG guidelines (PMID: 25741868). This variant meets the following evidence codes reported in the ACMG-guideline. BP4:Computational evidence/predictors indicate no impact on the POLG structure, function, or protein-protein interaction. Based on the evidence criteria codes applied, the variant is suggested to be Uncertain Significance.

Eurofins Ntd Llc (ga)
Classification: Uncertain significance. Last evaluated: 2017-01-04. Review status: criteria provided, single submitter. Criteria: EGL Classification Definitions 2015. Collection method: clinical testing. Allele origin: germline. Observed: 1 variant allele, 1 heterozygote.